The following is an entry in ClinVar:

NM_001142800.2(EYS):c.5743A>G (p.Ser1915Gly)

Gene: EYS (EGF-like photoreceptor maintenance factor; minus strand). Cytogenetic location: 6q12.
Variant type: single nucleotide variant.
Coding change: c.5743A>G on transcript NM_001142800.2 (MANE Select); coding-DNA position 5743, A replaced by G.
Protein change: p.Ser1915Gly; replaces serine 1915 with glycine.
Molecular consequence: missense variant.
Genome position (GRCh38, 1-based): chr6:64,439,254, T>C on the plus strand (A>G on the coding strand, the complement: EYS is on the minus strand). VCF-style: chr6-64439254-T-C. GRCh37 (hg19) VCF-style: chr6-65149147-T-C.
Other names: c.5743A>G, p.Ser1915Gly (NM_001292009.2); short protein forms S1915G.
Identifiers: ClinVar variation 425384 (VCV000425384.70), dbSNP rs188093810, ClinGen allele CA3876985.

ClinVar aggregate classification (germline): Conflicting classifications of pathogenicity. Review status: criteria provided, conflicting classifications (1 of 4 stars). 10 submissions from 10 submitters: Uncertain significance (4); Likely benign (3). 3 of the submissions do not count toward it. Last evaluated 2026-02-02.

Conditions:
EYS-related disorder. Also called: EYS-related condition.
Retinitis pigmentosa (RP). Identifiers: Orphanet 791, MedGen C0035334, MeSH D012174, MONDO:0019200, OMIM 268000. Inheritance: Autosomal dominant, autosomal recessive and X linked inheritance.
Retinitis pigmentosa 25 (RP25). Identifiers: Orphanet 791, MedGen C1864446, MONDO:0011272, OMIM 602772.

Allele frequency attached by ClinVar (database versions not stated): gnomAD 0.00120 and 0.00124; TOPMed 0.00127; gnomAD exomes 0.00208 and 0.00110; ESP Exome Variant Server 0.00219; 1000 Genomes Project 0.00020; 1000 Genomes Project 30x 0.00062; ExAC 0.00112.
gnomAD v4.1: 2,997 of 1,515,342 alleles (0.2%); highest among the groups gnomAD compares: Non-Finnish European, 0.25%; 7 homozygotes.

Submissions (10):

Labcorp Genetics (formerly Invitae), Labcorp
Classification: Likely benign. Last evaluated: 2026-02-02. Review status: criteria provided, single submitter. Criteria: Invitae Variant Classification Sherloc (09022015). Collection method: clinical testing. Allele origin: germline.

Blueprint Genetics
Classification: Likely benign. Last evaluated: 2024-11-26. Review status: criteria provided, single submitter. Criteria: ACMG Guidelines, 2015. Collection method: clinical testing. Allele origin: germline.

CeGaT Center for Human Genetics Tuebingen
Classification: Uncertain significance. Last evaluated: 2023-10-01. Review status: criteria provided, single submitter. Criteria: CeGaT Center For Human Genetics Tuebingen Variant Classification Criteria Version 2. Collection method: clinical testing. Allele origin: germline. Affected: yes. Observed: 4 variant alleles.
Comment: EYS: PM2, BP4

Revvity Omics, Revvity
Classification: Uncertain significance for Retinitis pigmentosa 25. Last evaluated: 2021-10-14. Review status: criteria provided, single submitter. Criteria: ACMG Guidelines, 2015. Collection method: clinical testing. Allele origin: germline.

GeneDx
Classification: Likely benign. Last evaluated: 2020-11-23. Review status: criteria provided, single submitter. Criteria: GeneDx Variant Classification Process June 2021. Collection method: clinical testing. Allele origin: germline. Affected: yes.
Comment: This variant is associated with the following publications: (PMID: 20333770)

Illumina Laboratory Services, Illumina
Classification: Uncertain significance for Retinitis pigmentosa. Last evaluated: 2017-04-27. Review status: criteria provided, single submitter. Criteria: ICSL Variant Classification Criteria 13 December 2019. Collection method: clinical testing. Allele origin: germline.
Comment: This variant was observed as part of a predisposition screen in an ostensibly healthy population. A literature search was performed for the gene, cDNA change, and amino acid change (where applicable). Publications were found based on this search. However, the evidence from the literature, in combination with allele frequency data from public databases where available, was not sufficient to rule this variant in or out of causing disease. Therefore, this variant is classified as a variant of unknown significance.

Eurofins Ntd Llc (ga)
Classification: Uncertain significance. Last evaluated: 2016-12-19. Review status: criteria provided, single submitter. Criteria: EGL Classification Definitions 2015. Collection method: clinical testing. Allele origin: germline. Observed: 1 variant allele, 1 heterozygote.

PreventionGenetics, part of Exact Sciences
Classification: Likely benign for EYS-related condition. Last evaluated: 2022-07-18. Review status: no assertion criteria provided. Collection method: clinical testing. Allele origin: germline. Not counted in ClinVar's aggregate classification.
Comment: This variant is classified as likely benign based on ACMG/AMP sequence variant interpretation guidelines (Richards et al. 2015 PMID: 25741868, with internal and published modifications).

Natera, Inc.
Classification: Uncertain significance for Retinitis pigmentosa. Last evaluated: 2020-01-06. Review status: no assertion criteria provided. Collection method: clinical testing. Allele origin: germline. Not counted in ClinVar's aggregate classification.

Department of Pathology and Laboratory Medicine, Sinai Health System
Classification: Uncertain significance. Review status: no assertion criteria provided. Collection method: clinical testing. Allele origin: unknown. Affected: yes. Study: The Canadian Open Genetics Repository (COGR). Not counted in ClinVar's aggregate classification.
Comment: The EYS p.S1915G variant was identified in one heterozygous individual with retinitis pigmentosa (Audo_2010_PMID:20333770). The variant was identified in dbSNP (ID: rs188093810) and ClinVar (classified as uncertain significance by Blueprint Genetics, EGL Genetic Diagnostics, Illumina, and CeGaT Praxis; and as likely benign by Invitae). The variant was identified in control databases in 182 of 155700 chromosomes at a frequency of 0.001169, and was observed at the highest frequency in the European (non-Finnish) population in 149 of 64790 chromosomes (freq: 0.0023) (Genome Aggregation Database March 6, 2019, v2.1.1). The p.S1915 residue is not conserved in mammals and computational analyses (MUT Assesor, PolyPhen-2, SIFT, MutationTaster, Revel, FATHMM, MetaLR, DANN) do not suggest a high likelihood of impact to the protein; however this information is not predictive enough to rule out pathogenicity. The variant occurs outside of the splicing consensus sequence and in silico or computational prediction software programs (Splice AI exome) do not predict a deleterious effect on splicing. In summary, based on the above information the clinical significance of this variant cannot be determined with certainty at this time. This variant is classified as a variant of uncertain significance.

Literature cited by the submitters: PubMed 20333770 (cited by Illumina Laboratory Services, Illumina).